The following is an entry in ClinVar:

ClinVar aggregate classification (germline): Likely pathogenic. Review status: criteria provided, multiple submitters, no conflicts (2 of 4 stars). 2 submissions from 2 submitters: Likely pathogenic (2). Last evaluated 2021-04-21.

Conditions:
TTN-related disorder. Also called: TTN-related condition; TTN-related disease; TTN-related disorders.
Cardiovascular phenotype. Identifiers: MedGen CN230736.

Submissions (2):

Ambry Genetics
Classification: Likely pathogenic for Cardiovascular phenotype. Last evaluated: 2021-04-21. Review status: criteria provided, single submitter. Criteria: Ambry Variant Classification Scheme 2023. Collection method: clinical testing. Allele origin: germline.
Comment: The c.70360_70363dupACTT variant, located in coding exon 177 of the TTN gene, results from a duplication of ACTT at nucleotide position 70360, causing a translational frameshift with a predicted alternate stop codon (p.W23455Yfs*8). This exon is located in the A-band region of the N2-B isoform of the titin protein and is constitutively expressed in TTN transcripts (percent spliced in or PSI 100%). This variant was not reported in population-based cohorts in the Genome Aggregation Database (gnomAD). This alteration is expected to result in loss of function by premature protein truncation or nonsense-mediated mRNA decay. While truncating variants in TTN are present in 1-3% of the general population, truncating variants in the A-band are the most common cause of dilated cardiomyopathy (DCM) (Herman DS et al. N. Engl. J. Med., 2012 Feb;366:619-28; Roberts AM et al. Sci Transl Med, 2015 Jan;7:270ra6). TTN truncating variants encoded in constitutive exons (PSI >90%) have been found to be significantly associated with DCM regardless of their position in titin (Schafer S et al. Nat. Genet., 2017 01;49:46-53). As such, this alteration is classified as likely pathogenic.

Blueprint Genetics
Classification: Likely pathogenic for TTN-related disorders. Last evaluated: 2020-12-31. Review status: criteria provided, single submitter. Criteria: ACMG Guidelines, 2015. Collection method: clinical testing. Allele origin: germline. Affected: yes. Observed: 5 variant alleles.

NM_001267550.2(TTN):c.97555_97558dup (p.Trp32520fs)

Genes: TTN (titin; minus strand), TTN-AS1 (TTN antisense RNA 1; plus strand). Cytogenetic location: 2q31.2.
Variant type: Microsatellite.
Coding change: c.97555_97558dup on transcript NM_001267550.2 (MANE Select); coding-DNA positions 97555 to 97558, 4 bases duplicated (ACTT; older notation c.97555_97558dupACTT).
Protein change: p.Trp32520fs; shifts the reading frame from tryptophan 32520.
Molecular consequence: frameshift variant.
Genome position (GRCh38, 1-based): chr2:178,541,519-178,541,522, AAGT duplicated on the plus strand (ACTT on the coding strand, the reverse complement: TTN is on the minus strand); duplicating any 4 consecutive bases within chr2:178,541,519-178,541,526 gives the same sequence; the c. name uses the placement nearest the transcript's 3' end. VCF-style (leftmost placement, unchanged base first): chr2-178541518-C-CAAGT. GRCh37 (hg19) VCF-style: chr2-179406245-C-CAAGT.
Other names: c.70360_70363dupACTT (NM_003319.4); c.92632_92635dup, p.Trp30879fs (NM_001256850.1); c.70360_70363dup, p.Trp23455fs (NM_003319.4); c.89851_89854dup, p.Trp29952fs (NM_133378.4); c.70735_70738dup, p.Trp23580fs (NM_133432.3); c.70936_70939dup, p.Trp23647fs (NM_133437.4); short protein forms W23455fs, W23647fs, W32520fs, W29952fs, W30879fs, W23580fs.
Identifiers: ClinVar variation 636987 (VCV000636987.4), dbSNP rs1575386270, ClinGen allele CA915942230.
Genomic context (GRCh38, chr2:178,541,518, plus strand): 5'-TCTTTGCGCTCCACAATATATCCAGTCACTTGGGAGCCACCGTCATCCTCTGGTGGGTAC[C>CAAGT]AAGTAAGTGTCATGCCATCACGGGAAACATCAAATATCTGTAATGTTTCTGGGGGTCCAG-3'